The following is an entry in ClinVar:

NM_024642.5(GALNT12):c.484A>T (p.Thr162Ser)

Gene: GALNT12 (polypeptide N-acetylgalactosaminyltransferase 12; plus strand). Cytogenetic location: 9q22.33.
Variant type: single nucleotide variant.
Coding change: c.484A>T on transcript NM_024642.5 (MANE Select); coding-DNA position 484, A replaced by T.
Protein change: p.Thr162Ser; replaces threonine 162 with serine.
Molecular consequence: missense variant.
Genome position (GRCh38, 1-based): chr9:98,823,368, A>T. VCF-style: chr9-98823368-A-T. GRCh37 (hg19) VCF-style: chr9-101585650-A-T.
Other names: short protein forms T162S.
Identifiers: ClinVar variation 1743551 (VCV001743551.2), dbSNP rs2490492602, ClinGen allele CA374216798.

ClinVar aggregate classification (germline): Uncertain significance (1 of 4 stars; one submission).

Submission:

Ambry Genetics
Classification: Uncertain significance. Last evaluated: 2021-07-13. Review status: criteria provided, single submitter. Criteria: Ambry Variant Classification Scheme 2023. Collection method: clinical testing. Allele origin: germline.
Comment: The p.T162S variant (also known as c.484A>T), located in coding exon 2 of the GALNT12 gene, results from an A to T substitution at nucleotide position 484. The threonine at codon 162 is replaced by serine, an amino acid with similar properties. This amino acid position is conserved. In addition, the in silico prediction for this alteration is inconclusive. Since supporting evidence is limited at this time, the clinical significance of this alteration remains unclear.